The following is an entry in ClinVar:

ClinVar aggregate classification (germline): Uncertain significance. Review status: criteria provided, multiple submitters, no conflicts (2 of 4 stars). 2 submissions from 2 submitters: Uncertain significance (2). Last evaluated 2020-12-08.

Conditions:
Inborn genetic diseases. Identifiers: MedGen C0950123, MeSH D030342.

Allele frequency attached by ClinVar (database versions not stated): TOPMed below 0.00001; ExAC 0.00001.
gnomAD v4.1: 1 of 1,613,986 alleles (0.000062%); highest among the groups gnomAD compares: South Asian, 0.0011%; no homozygotes.

Submissions (2):

Ambry Genetics
Classification: Uncertain significance for Inborn genetic diseases. Last evaluated: 2020-12-08. Review status: criteria provided, single submitter. Criteria: Ambry Variant Classification Scheme 2023. Collection method: clinical testing. Allele origin: germline.
Comment: The c.6104G>C (p.S2035T) alteration is located in exon 48 (coding exon 48) of the CACNA1D gene. This alteration results from a G to C substitution at nucleotide position 6104, causing the serine (S) at amino acid position 2035 to be replaced by a threonine (T). The p.S2035T alteration is predicted to be tolerated by in silico analysis. Based on insufficient or conflicting evidence, the clinical significance of this alteration remains unclear.

Laboratory for Molecular Medicine, Mass General Brigham Personalized Medicine
Classification: Uncertain significance. Last evaluated: 2016-01-15. Review status: criteria provided, single submitter. Criteria: LMM Criteria. Collection method: clinical testing. Allele origin: germline. Observed: 1 variant allele.
Comment: The p.Ser2035Thr variant in CACNA1D has not been previously reported in individu als with hearing loss or SANDD (sinoatrial node dysfunction and deafness) syndro me, but it has been identified in 1/16511 South Asian chromosomes by the Exome A ggregation Consortium (ExAC; dbSNP rs766889110). Although this variant has been seen in the general population, its frequency is not high enough to rule out a pathogenic role. Computational prediction tools a nd conservation analyses do not provide strong support for or against an impact to the protein. In summary, the clinical significance of the Ser2035Thr variant is uncertain.

NM_001128840.3(CACNA1D):c.6044G>C (p.Ser2015Thr)

Gene: CACNA1D (calcium voltage-gated channel subunit alpha1 D; plus strand). Cytogenetic location: 3p21.1.
Variant type: single nucleotide variant.
Coding change: c.6044G>C on transcript NM_001128840.3 (MANE Select); coding-DNA position 6044, G replaced by C.
Protein change: p.Ser2015Thr; replaces serine 2015 with threonine.
Molecular consequence: missense variant.
Genome position (GRCh38, 1-based): chr3:53,810,150, G>C. VCF-style: chr3-53810150-G-C. GRCh37 (hg19) VCF-style: chr3-53844177-G-C.
Other names: c.6104G>C, p.Ser2035Thr (NM_000720.4); c.5972G>C, p.Ser1991Thr (NM_001128839.3); short protein forms S2035T, S2015T, S1991T.
Identifiers: ClinVar variation 228466 (VCV000228466.6), dbSNP rs766889110, ClinGen allele CA2455348.